The following is an entry in ClinVar:

NM_015272.5(RPGRIP1L):c.1657C>A (p.His553Asn)

Gene: RPGRIP1L (RPGRIP1 like; minus strand). Cytogenetic location: 16q12.2.
Variant type: single nucleotide variant.
Coding change: c.1657C>A on transcript NM_015272.5 (MANE Select); coding-DNA position 1657, C replaced by A.
Protein change: p.His553Asn; replaces histidine 553 with asparagine.
Molecular consequence: missense variant.
Genome position (GRCh38, 1-based): chr16:53,656,514, G>T on the plus strand (C>A on the coding strand, the complement: RPGRIP1L is on the minus strand). VCF-style: chr16-53656514-G-T. GRCh37 (hg19) VCF-style: chr16-53690426-G-T.
Other names: c.1657C>A (NM_015272.4); c.1657C>A, p.His553Asn (NM_001127897.4, NM_001308334.3, NM_001330538.2); short protein forms H553N.
Identifiers: ClinVar variation 1024608 (VCV001024608.5), dbSNP rs145516192, ClinGen allele CA281346472.

ClinVar aggregate classification (germline): Uncertain significance. Review status: criteria provided, multiple submitters, no conflicts (2 of 4 stars). 4 submissions from 4 submitters: Uncertain significance (3). 1 of the submissions does not count toward it. Last evaluated 2026-08-14.

Conditions:
COACH syndrome 3. Identifiers: MedGen C5436841, MONDO:0030862, OMIM 619113.
Meckel syndrome, type 5 (MKS5). Identifiers: Orphanet 564, MedGen C1969052, MONDO:0012695, OMIM 611561.
Joubert syndrome 7 (JBTS7). Identifiers: Orphanet 220497, MedGen C1969053, MONDO:0012694, OMIM 611560.
Joubert syndrome. Also called: Familial aplasia of the vermis; JOUBERT-BOLTSHAUSER SYNDROME. Identifiers: Orphanet 475, MedGen C5979921, MONDO:0018772.
RPGRIP1L-related disorder. Also called: RPGRIP1L-related disorders; RPGRIP1L-related condition. Identifiers: MedGen CN239416.
Meckel-Gruber syndrome. Also called: DYSENCEPHALIA SPLANCHNOCYSTICA; GRUBER SYNDROME; Dysencephalia splachnocystica. Identifiers: Orphanet 564, MedGen C0265215, MONDO:0018921.

Allele frequency attached by ClinVar (database versions not stated): gnomAD 0.00001; gnomAD exomes 0.00001; ESP Exome Variant Server 0.00008.
gnomAD v4.1: 25 of 1,613,804 alleles (0.0015%); highest among the groups gnomAD compares: Non-Finnish European, 0.0021%; no homozygotes.

Submissions (4):

PreventionGenetics, part of Exact Sciences
Classification: Uncertain significance for RPGRIP1L-related condition. Last evaluated: 2026-08-14. Review status: criteria provided, single submitter. Criteria: ACMG Guidelines, 2015. Collection method: clinical testing. Allele origin: germline.
Comment: The RPGRIP1L c.1657C>A variant is predicted to result in the amino acid substitution p.His553Asn. To our knowledge, this variant has not been reported in the literature. This variant is reported in 0.0031% of alleles in individuals of European (Non-Finnish) descent in gnomAD. At this time, the clinical significance of this variant is uncertain due to the absence of conclusive functional and genetic evidence.

Labcorp Genetics (formerly Invitae), Labcorp
Classification: Uncertain significance for Joubert syndrome; Meckel-Gruber syndrome. Last evaluated: 2022-08-22. Review status: criteria provided, single submitter. Criteria: Invitae Variant Classification Sherloc (09022015). Collection method: clinical testing. Allele origin: germline.
Comment: This sequence change replaces histidine, which is basic and polar, with asparagine, which is neutral and polar, at codon 553 of the RPGRIP1L protein (p.His553Asn). This variant is present in population databases (rs145516192, gnomAD 0.003%). This variant has not been reported in the literature in individuals affected with RPGRIP1L-related conditions. ClinVar contains an entry for this variant (Variation ID: 1024608). Algorithms developed to predict the effect of missense changes on protein structure and function (SIFT, PolyPhen-2, Align-GVGD) all suggest that this variant is likely to be tolerated. In summary, the available evidence is currently insufficient to determine the role of this variant in disease. Therefore, it has been classified as a Variant of Uncertain Significance.

Fulgent Genetics
Classification: Uncertain significance for Joubert syndrome 7; Meckel syndrome, type 5; COACH syndrome 3. Last evaluated: 2021-09-15. Review status: criteria provided, single submitter. Criteria: ACMG Guidelines, 2015. Collection method: clinical testing. Allele origin: unknown.

Natera, Inc.
Classification: Uncertain significance for Joubert syndrome. Last evaluated: 2021-04-20. Review status: no assertion criteria provided. Collection method: clinical testing. Allele origin: germline. Not counted in ClinVar's aggregate classification.